The following is an entry in ClinVar:

ClinVar aggregate classification (germline): Conflicting classifications of pathogenicity. Review status: criteria provided, conflicting classifications (1 of 4 stars). 5 submissions from 5 submitters: Uncertain significance (1); Benign (2); Likely benign (1). 1 of the submissions does not count toward it. Last evaluated 2025-08-12.

Conditions:
UROC1-related disorder. Also called: UROC1-related condition.

Allele frequency attached by ClinVar (database versions not stated): gnomAD exomes 0.00028 and 0.00077; ExAC 0.00089; ESP Exome Variant Server 0.00277; TOPMed 0.00309; 1000 Genomes Project 30x 0.00437; 1000 Genomes Project 0.00479.
gnomAD v4.1: 842 of 1,613,554 alleles (0.052%); highest among the groups gnomAD compares: African/African-American, 1%; 5 homozygotes.

Submissions (5):

Ambry Genetics
Classification: Uncertain significance. Last evaluated: 2025-08-12. Review status: criteria provided, single submitter. Criteria: Ambry Variant Classification Scheme 2023. Collection method: clinical testing. Allele origin: germline.

CeGaT Center for Human Genetics Tuebingen
Classification: Likely benign. Last evaluated: 2024-09-01. Review status: criteria provided, single submitter. Criteria: CeGaT Center For Human Genetics Tuebingen Variant Classification Criteria Version 2. Collection method: clinical testing. Allele origin: germline. Affected: yes. Observed: 1 variant allele.
Comment: UROC1: BP4, BS1

Labcorp Genetics (formerly Invitae), Labcorp
Classification: Benign. Last evaluated: 2019-12-31. Review status: criteria provided, single submitter. Criteria: Invitae Variant Classification Sherloc (09022015). Collection method: clinical testing. Allele origin: germline.

Breakthrough Genomics
Classification: Benign. Review status: criteria provided, single submitter. Criteria: ACMG Guidelines, 2015. Collection method: not provided. Allele origin: germline. Inheritance: Autosomal recessive inheritance. Affected: yes.

PreventionGenetics, part of Exact Sciences
Classification: Benign for UROC1-related condition. Last evaluated: 2020-02-26. Review status: no assertion criteria provided. Collection method: clinical testing. Allele origin: germline. Not counted in ClinVar's aggregate classification.
Comment: This variant is classified as benign based on ACMG/AMP sequence variant interpretation guidelines (Richards et al. 2015 PMID: 25741868, with internal and published modifications).

NM_144639.3(UROC1):c.1591G>A (p.Ala531Thr)

Gene: UROC1 (urocanate hydratase 1; minus strand). Cytogenetic location: 3q21.3.
Variant type: single nucleotide variant.
Coding change: c.1591G>A on transcript NM_144639.3 (MANE Select); coding-DNA position 1591, G replaced by A.
Protein change: p.Ala531Thr; replaces alanine 531 with threonine.
Molecular consequence: missense variant.
Genome position (GRCh38, 1-based): chr3:126,492,435, C>T on the plus strand (G>A on the coding strand, the complement: UROC1 is on the minus strand). VCF-style: chr3-126492435-C-T. GRCh37 (hg19) VCF-style: chr3-126211278-C-T.
Other names: c.1771G>A, p.Ala591Thr (NM_001165974.2); short protein forms A531T, A591T.
Identifiers: ClinVar variation 785864 (VCV000785864.21), dbSNP rs35516512, ClinGen allele CA2590956.
Genomic context (GRCh38, chr3:126,492,435, plus strand): 5'-AAGAGGCTGAGGGATGCTTCCCCCAGAGCACAGGACACCTCACCTTGATCCTCCTGCAGG[C>T]GATGGCCTGGTTAATGGCCACAGCGATGGCCACGCGGCCCTTCTGGTCTGAGTACAGGAT-3'
Protein context (NP_653240.1, residues 521-541): AIAVAINQAI[Ala531Thr]CRRIKAPVVL